The following is an entry in ClinVar:

NM_017654.4(SAMD9):c.740T>A (p.Ile247Asn)

Gene: SAMD9 (sterile alpha motif domain containing 9; minus strand). Cytogenetic location: 7q21.2.
Variant type: single nucleotide variant.
Coding change: c.740T>A on transcript NM_017654.4 (MANE Select); coding-DNA position 740, T replaced by A.
Protein change: p.Ile247Asn; replaces isoleucine 247 with asparagine.
Molecular consequence: missense variant.
Genome position (GRCh38, 1-based): chr7:93,105,358, A>T on the plus strand (T>A on the coding strand, the complement: SAMD9 is on the minus strand). VCF-style: chr7-93105358-A-T. GRCh37 (hg19) VCF-style: chr7-92734671-A-T.
Other names: c.740T>A, p.Ile247Asn (NM_001193307.2); short protein forms I247N.
Identifiers: ClinVar variation 4802486 (VCV004802486.1).

ClinVar aggregate classification (germline): Uncertain significance (1 of 4 stars; one submission).

Submission:

Labcorp Genetics (formerly Invitae), Labcorp
Classification: Uncertain significance. Last evaluated: 2025-11-26. Review status: criteria provided, single submitter. Criteria: Invitae Variant Classification Sherloc (09022015). Collection method: clinical testing. Allele origin: germline.
Comment: This sequence change replaces isoleucine, which is neutral and non-polar, with asparagine, which is neutral and polar, at codon 247 of the SAMD9 protein (p.Ile247Asn). This variant is not present in population databases (gnomAD no frequency). This variant has not been reported in the literature in individuals affected with SAMD9-related conditions. Invitae Evidence Modeling of protein sequence and biophysical properties (such as structural, functional, and spatial information, amino acid conservation, physicochemical variation, residue mobility, and thermodynamic stability) has been performed for this missense variant. However, the output from this modeling did not meet the statistical confidence thresholds required to predict the impact of this variant on SAMD9 protein function. In summary, the available evidence is currently insufficient to determine the role of this variant in disease. Therefore, it has been classified as a Variant of Uncertain Significance.